The following is an entry in ClinVar:

ClinVar aggregate classification (germline): Uncertain significance (1 of 4 stars; one submission).

Submission:

GeneDx
Classification: Uncertain significance. Last evaluated: 2025-03-31. Review status: criteria provided, single submitter. Criteria: GeneDx Variant Classification Process June 2021. Collection method: clinical testing. Allele origin: germline.
Comment: Not observed at significant frequency in large population cohorts (gnomAD); In silico analysis supports that this missense variant has a deleterious effect on protein structure/function; Has not been previously published as pathogenic or benign to our knowledge

NM_021120.4(DLG3):c.842T>G (p.Val281Gly)

Gene: DLG3 (discs large MAGUK scaffold protein 3; plus strand). Cytogenetic location: Xq13.1.
Variant type: single nucleotide variant.
Coding change: c.842T>G on transcript NM_021120.4 (MANE Select); coding-DNA position 842, T replaced by G.
Protein change: p.Val281Gly; replaces valine 281 with glycine.
Molecular consequence: missense variant.
Genome position (GRCh38, 1-based): chrX:70,450,640, T>G. VCF-style: chrX-70450640-T-G. GRCh37 (hg19) VCF-style: chrX-69670490-T-G.
Other names: short protein forms V281G.
Identifiers: ClinVar variation 2430714 (VCV002430714.2), dbSNP rs2519732659, ClinGen allele CA413493024.